The following is an entry in ClinVar:

NM_004523.4(KIF11):c.2815G>A (p.Val939Ile)

Gene: KIF11 (kinesin family member 11; plus strand). Cytogenetic location: 10q23.33.
Variant type: single nucleotide variant.
Coding change: c.2815G>A on transcript NM_004523.4 (MANE Select); coding-DNA position 2815, G replaced by A.
Protein change: p.Val939Ile; replaces valine 939 with isoleucine.
Molecular consequence: missense variant.
Genome position (GRCh38, 1-based): chr10:92,649,879, G>A. VCF-style: chr10-92649879-G-A. GRCh37 (hg19) VCF-style: chr10-94409636-G-A.
Other names: short protein forms V939I.
Identifiers: ClinVar variation 2994696 (VCV002994696.3), dbSNP rs767983236, ClinGen allele CA377805989.
Genomic context (GRCh38, chr10:92,649,879, plus strand): 5'-CTAATGTCCGTTAAAGGTACGACACCACAGAGGAAAAGTTATTTATACCCATCAACACTG[G>A]TAAGAACTGAACCACGTGAACATCTCCTTGATCAGCTGAAAAGGAAACAGCCTGAGCTGT-3'
Protein context (NP_004514.2, residues 929-949): RKSYLYPSTL[Val939Ile]RTEPREHLLD

ClinVar aggregate classification (germline): Uncertain significance (1 of 4 stars; one submission).

gnomAD v4.1: 6 of 1,612,960 alleles (0.00037%); highest among the groups gnomAD compares: South Asian, 0.0066%; no homozygotes.

Submission:

Labcorp Genetics (formerly Invitae), Labcorp
Classification: Uncertain significance. Last evaluated: 2023-02-26. Review status: criteria provided, single submitter. Criteria: Invitae Variant Classification Sherloc (09022015). Collection method: clinical testing. Allele origin: germline.
Comment: This sequence change replaces valine, which is neutral and non-polar, with isoleucine, which is neutral and non-polar, at codon 939 of the KIF11 protein (p.Val939Ile). This variant has not been reported in the literature in individuals affected with KIF11-related conditions. Advanced modeling of protein sequence and biophysical properties (such as structural, functional, and spatial information, amino acid conservation, physicochemical variation, residue mobility, and thermodynamic stability) performed at Invitae indicates that this missense variant is not expected to disrupt KIF11 protein function. In summary, the available evidence is currently insufficient to determine the role of this variant in disease. Therefore, it has been classified as a Variant of Uncertain Significance. This variant is present in population databases (no rsID available, gnomAD 0.003%).